The following is an entry in ClinVar:

NM_004774.4(MED1):c.1513C>G (p.Pro505Ala)

Gene: MED1 (mediator complex subunit 1; minus strand). Cytogenetic location: 17q12.
Variant type: single nucleotide variant.
Coding change: c.1513C>G on transcript NM_004774.4 (MANE Select); coding-DNA position 1513, C replaced by G.
Protein change: p.Pro505Ala; replaces proline 505 with alanine.
Molecular consequence: missense variant.
Genome position (GRCh38, 1-based): chr17:39,410,708, G>C on the plus strand (C>G on the coding strand, the complement: MED1 is on the minus strand). VCF-style: chr17-39410708-G-C. GRCh37 (hg19) VCF-style: chr17-37566961-G-C.
Other names: short protein forms P505A.
Identifiers: ClinVar variation 4983046 (VCV004983046.1).

ClinVar aggregate classification (germline): Uncertain significance (1 of 4 stars; one submission).

Conditions:
MED1-related condition.

Submission:

PreventionGenetics, part of Exact Sciences
Classification: Uncertain significance for MED1-related condition. Last evaluated: 2025-02-12. Review status: criteria provided, single submitter. Criteria: ACMG Guidelines, 2015. Collection method: clinical testing. Allele origin: germline.
Comment: The MED1 c.1513C>G variant is predicted to result in the amino acid substitution p.Pro505Ala. To our knowledge, this variant has not been reported in the literature or in a large population database (gnomAD), indicating this variant is rare. At this time, the clinical significance of this variant is uncertain due to the absence of conclusive functional and genetic evidence.